The following is an entry in ClinVar:

ClinVar aggregate classification (germline): Uncertain significance (1 of 4 stars; one submission).

Conditions:
Hypogonadotropic hypogonadism 1 with or without anosmia (HH1). Also called: KAL1-Related GnRH Deficiency (Kallmann Syndrome 1; Kallmann Syndrome, X-Linked); Kallmann syndrome, type 1, X-linked; DYSPLASIA OLFACTOGENITALIS OF DE MORSIER; HYPOGONADOTROPIC HYPOGONADISM 1 WITH ANOSMIA; Hypogonadotropic hypogonadism 1 with or without anosmia (Kallmann syndrome 1); HYPOGONADOTROPIC HYPOGONADISM AND ANOSMIA. Identifiers: Orphanet 478, MedGen C1563719, MONDO:0010635, OMIM 308700. Disease mechanism: loss of function.

Submission:

Labcorp Genetics (formerly Invitae), Labcorp
Classification: Uncertain significance for Hypogonadotropic hypogonadism 1 with or without anosmia. Last evaluated: 2022-06-05. Review status: criteria provided, single submitter. Criteria: Invitae Variant Classification Sherloc (09022015). Collection method: clinical testing. Allele origin: germline.
Comment: In summary, the available evidence is currently insufficient to determine the role of this variant in disease. Therefore, it has been classified as a Variant of Uncertain Significance. Algorithms developed to predict the effect of missense changes on protein structure and function (SIFT, PolyPhen-2, Align-GVGD) all suggest that this variant is likely to be tolerated. ClinVar contains an entry for this variant (Variation ID: 1371635). This variant has not been reported in the literature in individuals affected with ANOS1-related conditions. This variant is not present in population databases (gnomAD no frequency). This sequence change replaces alanine, which is neutral and non-polar, with threonine, which is neutral and polar, at codon 292 of the ANOS1 protein (p.Ala292Thr).

NM_000216.4(ANOS1):c.874G>A (p.Ala292Thr)

Gene: ANOS1 (anosmin 1; minus strand). Cytogenetic location: Xp22.31.
Variant type: single nucleotide variant.
Coding change: c.874G>A on transcript NM_000216.4 (MANE Select); coding-DNA position 874, G replaced by A.
Protein change: p.Ala292Thr; replaces alanine 292 with threonine.
Molecular consequence: missense variant.
Genome position (GRCh38, 1-based): chrX:8,570,687, C>T on the plus strand (G>A on the coding strand, the complement: ANOS1 is on the minus strand). VCF-style: chrX-8570687-C-T. GRCh37 (hg19) VCF-style: chrX-8538728-C-T.
Other names: short protein forms A292T.
Identifiers: ClinVar variation 1371635 (VCV001371635.6), dbSNP rs2146807313, ClinGen allele CA411996109.
Genomic context (GRCh38, chrX:8,570,687, plus strand): 5'-TGACGGTCACACTCCCATCACTGTTGACGGTGGAGTTGGCCAGCCGGAGGTTAGCCGGTG[C>T]TGGTGGGGCAGATGGATCTGAAATCCCAGTACAAAGACACATCATATGACTCCACAAAAC-3'
Protein context (NP_000207.2, residues 282-302): RSSKDPSAPP[Ala292Thr]PANLRLANST